The following is an entry in ClinVar:

NM_016343.4(CENPF):c.6507C>T (p.Asn2169=)

Gene: CENPF (centromere protein F; plus strand). Cytogenetic location: 1q41.
Variant type: single nucleotide variant.
Coding change: c.6507C>T on transcript NM_016343.4 (MANE Select); coding-DNA position 6507, C replaced by T.
Protein change: p.Asn2169=; no amino-acid change (asparagine 2169 retained).
Molecular consequence: synonymous variant.
Genome position (GRCh38, 1-based): chr1:214,646,077, C>T. VCF-style: chr1-214646077-C-T. GRCh37 (hg19) VCF-style: chr1-214819420-C-T.
Identifiers: ClinVar variation 740961 (VCV000740961.28), dbSNP rs149961822, ClinGen allele CA1390971.

ClinVar aggregate classification (germline): Likely benign. Review status: criteria provided, multiple submitters, no conflicts (2 of 4 stars). 3 submissions from 3 submitters: Likely benign (3). Last evaluated 2026-08-01.

Conditions:
CENPF-related disorder. Also called: CENPF-related condition.

Allele frequency attached by ClinVar (database versions not stated): gnomAD exomes 0.00001 and 0.00004; ExAC 0.00006; TOPMed 0.00009; gnomAD 0.00014 and 0.00017; ESP Exome Variant Server 0.00015.
gnomAD v4.1: 45 of 1,613,914 alleles (0.0028%); highest among the groups gnomAD compares: African/African-American, 0.045%; no homozygotes.

Submissions (3):

CeGaT Center for Human Genetics Tuebingen
Classification: Likely benign. Last evaluated: 2026-08-01. Review status: criteria provided, single submitter. Criteria: CeGaT Center For Human Genetics Tuebingen Variant Classification Criteria Version 2. Collection method: clinical testing. Allele origin: germline. Affected: yes. Observed: 2 variant alleles.
Comment: CENPF: BP4, BP7

PreventionGenetics, part of Exact Sciences
Classification: Likely benign for CENPF-related condition. Last evaluated: 2025-12-15. Review status: criteria provided, single submitter. Criteria: ACMG Guidelines, 2015. Collection method: clinical testing. Allele origin: germline.
Comment: This variant is classified as likely benign based on ACMG/AMP sequence variant interpretation guidelines (Richards et al. 2015 PMID: 25741868, with internal and published modifications).

Labcorp Genetics (formerly Invitae), Labcorp
Classification: Likely benign. Last evaluated: 2018-04-23. Review status: criteria provided, single submitter. Criteria: Invitae Variant Classification Sherloc (09022015). Collection method: clinical testing. Allele origin: germline.